The following is an entry in ClinVar:

ClinVar aggregate classification (germline): Uncertain significance (1 of 4 stars; one submission).

Submission:

Labcorp Genetics (formerly Invitae), Labcorp
Classification: Uncertain significance. Last evaluated: 2023-12-04. Review status: criteria provided, single submitter. Criteria: Invitae Variant Classification Sherloc (09022015). Collection method: clinical testing. Allele origin: germline.
Comment: This sequence change replaces aspartic acid, which is acidic and polar, with glutamic acid, which is acidic and polar, at codon 458 of the DUOX2 protein (p.Asp458Glu). This variant is not present in population databases (gnomAD no frequency). This variant has not been reported in the literature in individuals affected with DUOX2-related conditions. Advanced modeling of protein sequence and biophysical properties (such as structural, functional, and spatial information, amino acid conservation, physicochemical variation, residue mobility, and thermodynamic stability) performed at Invitae indicates that this missense variant is not expected to disrupt DUOX2 protein function with a negative predictive value of 80%. In summary, the available evidence is currently insufficient to determine the role of this variant in disease. Therefore, it has been classified as a Variant of Uncertain Significance.

NM_001363711.2(DUOX2):c.1374T>A (p.Asp458Glu)

Gene: DUOX2 (dual oxidase 2; minus strand). Cytogenetic location: 15q21.1.
Variant type: single nucleotide variant.
Coding change: c.1374T>A on transcript NM_001363711.2 (MANE Select); coding-DNA position 1374, T replaced by A.
Protein change: p.Asp458Glu; replaces aspartic acid 458 with glutamic acid.
Molecular consequence: missense variant.
Genome position (GRCh38, 1-based): chr15:45,108,813, A>T on the plus strand (T>A on the coding strand, the complement: DUOX2 is on the minus strand). VCF-style: chr15-45108813-A-T. GRCh37 (hg19) VCF-style: chr15-45401011-A-T.
Other names: c.1374T>A, p.Asp458Glu (NM_014080.5); short protein forms D458E.
Identifiers: ClinVar variation 2700926 (VCV002700926.3), dbSNP rs2504775231, ClinGen allele CA392276768.